The following is an entry in ClinVar:

NM_005869.4(CWC27):c.884C>T (p.Ala295Val)

Gene: CWC27 (CWC27 spliceosome associated cyclophilin; plus strand). Cytogenetic location: 5q12.3.
Variant type: single nucleotide variant.
Coding change: c.884C>T on transcript NM_005869.4 (MANE Select); coding-DNA position 884, C replaced by T.
Protein change: p.Ala295Val; replaces alanine 295 with valine.
Molecular consequence: missense variant.
Genome position (GRCh38, 1-based): chr5:64,804,332, C>T. VCF-style: chr5-64804332-C-T. GRCh37 (hg19) VCF-style: chr5-64100159-C-T.
Other names: c.884C>T, p.Ala295Val (NM_001297644.1, NM_001297645.2, NM_001318000.2 and 1 more transcripts); short protein forms A295V.
Identifiers: ClinVar variation 1420245 (VCV001420245.8), dbSNP rs149929520, ClinGen allele CA3282113.

ClinVar aggregate classification (germline): Uncertain significance. Review status: criteria provided, multiple submitters, no conflicts (2 of 4 stars). 2 submissions from 2 submitters: Uncertain significance (2). Last evaluated 2025-01-15.

Allele frequency attached by ClinVar (database versions not stated): gnomAD exomes 0.00008 and 0.00019; TOPMed 0.00009; ExAC 0.00012; gnomAD 0.00015 and 0.00016; ESP Exome Variant Server 0.00023.
gnomAD v4.1: 293 of 1,612,374 alleles (0.018%); highest among the groups gnomAD compares: Non-Finnish European, 0.024%; no homozygotes.

Submissions (3):

Labcorp Genetics (formerly Invitae), Labcorp
Classification: Uncertain significance. Last evaluated: 2025-01-15. Review status: criteria provided, single submitter. Criteria: Invitae Variant Classification Sherloc (09022015). Collection method: clinical testing. Allele origin: germline.
Comment: This sequence change replaces alanine, which is neutral and non-polar, with valine, which is neutral and non-polar, at codon 295 of the CWC27 protein (p.Ala295Val). This variant is present in population databases (rs149929520, gnomAD 0.02%). This variant has not been reported in the literature in individuals affected with CWC27-related conditions. ClinVar contains an entry for this variant (Variation ID: 1420245). An algorithm developed to predict the effect of missense changes on protein structure and function (PolyPhen-2) suggests that this variant¬†is likely to be tolerated. In summary, the available evidence is currently insufficient to determine the role of this variant in disease. Therefore, it has been classified as a Variant of Uncertain Significance.

Blueprint Genetics
Classification: Uncertain significance. Last evaluated: 2024-03-19. Review status: criteria provided, single submitter. Criteria: ACMG Guidelines, 2015. Collection method: clinical testing. Allele origin: germline.

Dr. Peter K. Rogan Lab, Western University
No classification provided (evidence only). Condition: Gastric cancer. Review status: no classification provided. Collection method: in vitro. Allele origin: not applicable. Functional consequence: retained intron. Not counted in ClinVar's aggregate classification.